The following is an entry in ClinVar:

NM_015443.4(KANSL1):c.22C>G (p.Leu8Val)

Gene: KANSL1 (KAT8 regulatory NSL complex subunit 1). Cytogenetic location: 17q21.31.
Variant type: single nucleotide variant.
Coding change: c.22C>G on transcript NM_015443.4 (MANE Select); coding-DNA position 22, C replaced by G.
Protein change: p.Leu8Val; replaces leucine 8 with valine.
Molecular consequence: missense variant.
Genome position (GRCh38, 1-based): chr17:46,172,122, G>C on the plus strand (C>G on the coding strand, the complement: KANSL1 is on the minus strand). VCF-style: chr17-46172122-G-C. GRCh37 (hg19) VCF-style: chr17-44249488-G-C.
Other names: c.22C>G, p.Leu8Val (NM_001193465.2, NM_001193466.2, NM_001379198.1); short protein forms L8V.
Identifiers: ClinVar variation 1190249 (VCV001190249.2), dbSNP rs2046320616, ClinGen allele CA399983184.

ClinVar aggregate classification (germline): Likely benign (1 of 4 stars; one submission).

Allele frequency attached by ClinVar (database versions not stated): gnomAD exomes below 0.00001.
gnomAD v4.1: 1 of 1,607,608 alleles (0.000062%); highest among the groups gnomAD compares: Non-Finnish European, 0.000085%; no homozygotes.

Submission:

GeneDx
Classification: Likely benign. Last evaluated: 2019-06-05. Review status: criteria provided, single submitter. Criteria: GeneDx Variant Classification Process June 2021. Collection method: clinical testing. Allele origin: germline. Affected: yes.
Comment: Not observed in large population cohorts (Lek et al., 2016); In silico analysis, which includes protein predictors and evolutionary conservation, supports that this variant does not alter protein structure/function; Has not been previously published as pathogenic or benign to our knowledge